The following is an entry in ClinVar:

ClinVar aggregate classification (germline): Likely benign (1 of 4 stars; one submission).

Submission:

CeGaT Center for Human Genetics Tuebingen
Classification: Likely benign. Last evaluated: 2025-10-01. Review status: criteria provided, single submitter. Criteria: CeGaT Center For Human Genetics Tuebingen Variant Classification Criteria Version 2. Collection method: clinical testing. Allele origin: germline. Affected: yes. Observed: 1 variant allele.
Comment: CAMK2A: PM2:Supporting, BP4, BP7

NM_015981.4(CAMK2A):c.798T>G (p.Leu266=)

Gene: CAMK2A (calcium/calmodulin dependent protein kinase II alpha; minus strand). Cytogenetic location: 5q32.
Variant type: single nucleotide variant.
Coding change: c.798T>G on transcript NM_015981.4 (MANE Select); coding-DNA position 798, T replaced by G.
Protein change: p.Leu266=; no amino-acid change (leucine 266 retained).
Molecular consequence: synonymous variant.
Genome position (GRCh38, 1-based): chr5:150,250,706, A>C on the plus strand (T>G on the coding strand, the complement: CAMK2A is on the minus strand). VCF-style: chr5-150250706-A-C. GRCh37 (hg19) VCF-style: chr5-149630269-A-C.
Other names: c.798T>G, p.Leu266= (NM_001363989.1, NM_001363990.1, NM_001369025.2 and 1 more transcripts).
Identifiers: ClinVar variation 4534943 (VCV004534943.6).
Genomic context (GRCh38, chr5:150,250,706, plus strand): 5'-CTGGAGGGGCTCCTGGGAGAAGTCCTGCTGAGGAAGGCTCACCGAGATCCAGGGGTGCTT[A>C]AGGGCTTCGGCAGCTGTGATGCGTTTGGATGGGTTAATGGTCAGCATCTTATTGATCAGA-3'
Protein context (NP_057065.2, residues 256-276): PSKRITAAEA[Leu266=]KHPWISHRST